The following is an entry in ClinVar:

NM_058216.3(RAD51C):c.132_133delinsTA (p.Glu45Lys)

Gene: RAD51C (RAD51 paralog C; plus strand). Cytogenetic location: 17q22.
Variant type: Indel.
Coding change: c.132_133delinsTA on transcript NM_058216.3 (MANE Select); coding-DNA positions 132 to 133, CG replaced by TA.
Protein change: p.Glu45Lys; replaces glutamic acid 45 with lysine.
Molecular consequence: missense variant. On other transcripts: non-coding transcript variant (1).
Genome position (GRCh38, 1-based): chr17:58,692,775-58,692,776, CG replaced by TA. VCF-style: chr17-58692775-CG-TA. GRCh37 (hg19) VCF-style: chr17-56770136-CG-TA.
Other names: c.132_133delinsTA, p.Glu45Lys (NM_002876.4); c.132_133delCGinsTA (NM_058216.1); short protein forms E45K.
Identifiers: ClinVar variation 538777 (VCV000538777.12), dbSNP rs1555592076, ClinGen allele CA658798932.
Genomic context (GRCh38, chr17:58,692,775, plus strand): 5'-GGTGAAGCTGGTGTCTGCGGGGTTCCAGACTGCTGAGGAACTCCTAGAGGTGAAACCCTC[CG>TA]AGCTTAGCAAAGGTAACGACTCCTGATGGCAAGCTGAGGCACACCGGCCGCCGTCAGCGC-3'
Protein context (NP_478123.1, residues 35-55): AEELLEVKPS[Glu45Lys]LSKEVGISKA

ClinVar aggregate classification (germline): Uncertain significance. Review status: criteria provided, multiple submitters, no conflicts (2 of 4 stars). 3 submissions from 3 submitters: Uncertain significance (3). Last evaluated 2026-01-08.

Conditions:
Fanconi anemia complementation group O. Also called: RAD51C-Related Fanconi Anemia. Identifiers: Orphanet 84, MedGen C3150653, MONDO:0013248, OMIM 613390.
Breast-ovarian cancer, familial, susceptibility to, 3. Also called: RAD51C-Related Breast/Ovarian Cancer. Identifiers: Orphanet 145, MedGen C3150659, MONDO:0013253, OMIM 613399.
Hereditary cancer-predisposing syndrome. Also called: Neoplastic Syndromes, Hereditary; Tumor predisposition; Hereditary Cancer Syndrome; Hereditary neoplastic syndrome. Identifiers: Orphanet 140162, MedGen C0027672, MeSH D009386, MONDO:0015356.

Submissions (3):

Labcorp Genetics (formerly Invitae), Labcorp
Classification: Uncertain significance for Fanconi anemia complementation group O. Last evaluated: 2026-01-08. Review status: criteria provided, single submitter. Criteria: Invitae Variant Classification Sherloc (09022015). Collection method: clinical testing. Allele origin: germline.
Comment: This sequence change replaces glutamic acid, which is acidic and polar, with lysine, which is basic and polar, at codon 45 of the RAD51C protein (p.Glu45Lys). Information on the frequency of this variant in the gnomAD database is not available, as this variant may be reported differently in the database. This variant has not been reported in the literature in individuals affected with RAD51C-related conditions. ClinVar contains an entry for this variant (Variation ID: 538777). Experimental studies and prediction algorithms are not available or were not evaluated, and the functional significance of this variant is currently unknown. In summary, the available evidence is currently insufficient to determine the role of this variant in disease. Therefore, it has been classified as a Variant of Uncertain Significance.

Ambry Genetics
Classification: Uncertain significance for Hereditary cancer-predisposing syndrome. Last evaluated: 2025-07-24. Review status: criteria provided, single submitter. Criteria: Ambry Variant Classification Scheme 2023. Collection method: clinical testing. Allele origin: germline.
Comment: The c.132_133delCGinsTA variant (also known as p.E45K), located in coding exon 1 of the RAD51C gene, results from an in-frame deletion of CG and insertion of TA at nucleotide positions 132 to 133. This results in the substitution of the glutamic acid residue for a lysine residue at codon 45, an amino acid with similar properties. This amino acid position is not well conserved in available vertebrate species. In addition, this alteration is predicted to be neutral by in silico analysis (Choi Y et al. PLoS ONE. 2012; 7(10):e46688). Based on the available evidence, the clinical significance of this variant remains unclear.

Fulgent Genetics
Classification: Uncertain significance for Fanconi anemia complementation group O; Breast-ovarian cancer, familial, susceptibility to, 3. Last evaluated: 2024-02-09. Review status: criteria provided, single submitter. Criteria: ACMG Guidelines, 2015. Collection method: clinical testing. Allele origin: germline.